The following is an entry in ClinVar:

ClinVar aggregate classification (germline): Pathogenic (1 of 4 stars; one submission).

Conditions:
Microcephaly, normal intelligence and immunodeficiency (NBS). Also called: IMMUNODEFICIENCY, MICROCEPHALY, AND CHROMOSOMAL INSTABILITY; SEEMANOVA SYNDROME II; Immunodeficiency, microcephaly with normal intelligence; Nijmegen breakage syndrome; Microcephaly with normal intelligence immunodeficiency and lymphoreticular malignancies; Nonsyndromal microcephaly autosomal recessive with normal intelligence. Identifiers: Orphanet 647, MedGen C0398791, MONDO:0009623, OMIM 251260.

Submission:

Labcorp Genetics (formerly Invitae), Labcorp
Classification: Pathogenic for Microcephaly, normal intelligence and immunodeficiency. Last evaluated: 2023-01-22. Review status: criteria provided, single submitter. Criteria: Invitae Variant Classification Sherloc (09022015). Collection method: clinical testing. Allele origin: germline.
Comment: This sequence change creates a premature translational stop signal (p.Thr98Asnfs*8) in the NBN gene. It is expected to result in an absent or disrupted protein product. Loss-of-function variants in NBN are known to be pathogenic (PMID: 9590180, 16415040). For these reasons, this variant has been classified as Pathogenic. This variant has not been reported in the literature in individuals affected with NBN-related conditions. This variant is not present in population databases (gnomAD no frequency).

Literature cited by the submitters: PubMed 9590180; PubMed 16415040.

NM_002485.5(NBN):c.292dup (p.Thr98fs)

Gene: NBN (nibrin; minus strand). Cytogenetic location: 8q21.3.
Variant type: Duplication.
Coding change: c.292dup on transcript NM_002485.5 (MANE Select); coding-DNA position 292, one base duplicated (A; older notation c.292dupA).
Protein change: p.Thr98fs; shifts the reading frame from threonine 98.
Molecular consequence: frameshift variant.
Genome position (GRCh38, 1-based): chr8:89,981,403, T duplicated on the plus strand (A on the coding strand, the reverse complement: NBN is on the minus strand). VCF-style (leftmost placement, unchanged base first): chr8-89981402-G-GT. GRCh37 (hg19) VCF-style: chr8-90993630-G-GT.
Other names: c.46dup, p.Thr16fs (NM_001024688.3); short protein forms T98fs, T16fs.
Identifiers: ClinVar variation 2830884 (VCV002830884.3), dbSNP rs2488360166, ClinGen allele CA2739268841.